The following is an entry in ClinVar:

NM_021628.3(ALOXE3):c.1329C>A (p.Tyr443Ter)

Gene: ALOXE3 (arachidonate lipoxygenase 3; minus strand). Cytogenetic location: 17p13.1.
Variant type: single nucleotide variant.
Coding change: c.1329C>A on transcript NM_021628.3 (MANE Select); coding-DNA position 1329, C replaced by A.
Protein change: p.Tyr443Ter; replaces tyrosine 443 with a stop codon.
Molecular consequence: nonsense.
Genome position (GRCh38, 1-based): chr17:8,109,979, G>T on the plus strand (C>A on the coding strand, the complement: ALOXE3 is on the minus strand). VCF-style: chr17-8109979-G-T. GRCh37 (hg19) VCF-style: chr17-8013297-G-T.
Other names: c.1725C>A, p.Tyr575Ter (NM_001165960.1); c.1326C>A, p.Tyr442Ter (NM_001369446.1); short protein forms Y443*, Y575*, Y442*.
Identifiers: ClinVar variation 620330 (VCV000620330.1), dbSNP rs1567999245, ClinGen allele CA397972854.

ClinVar aggregate classification (germline): Pathogenic (1 of 4 stars; one submission).

Allele frequency attached by ClinVar (database versions not stated): TOPMed below 0.00001.

Submission:

GeneDx
Classification: Pathogenic. Last evaluated: 2018-08-29. Review status: criteria provided, single submitter. Criteria: GeneDx Variant Classification (06012015). Collection method: clinical testing. Allele origin: germline. Affected: yes.
Comment: The Y443X variant in the ALOXE3 gene has not been reported previously as a pathogenic variant nor as a benign variant, to our knowledge. This variant is predicted to cause loss of normal protein function either through protein truncation or nonsense-mediated mRNA decay. The Y443X variant is not observed in large population cohorts (Lek et al., 2016). We interpret Y443X as a pathogenic variant.